The following is an entry in ClinVar:

NM_001276270.2(MBD4):c.1039A>G (p.Lys347Glu)

Gene: MBD4 (methyl-CpG binding domain 4, DNA glycosylase; minus strand). Cytogenetic location: 3q21.3.
Variant type: single nucleotide variant.
Coding change: c.1039A>G on transcript NM_001276270.2 (MANE Select); coding-DNA position 1039, A replaced by G.
Protein change: p.Lys347Glu; replaces lysine 347 with glutamic acid.
Molecular consequence: missense variant. On other transcripts: intron variant (1).
Genome position (GRCh38, 1-based): chr3:129,436,605, T>C on the plus strand (A>G on the coding strand, the complement: MBD4 is on the minus strand). VCF-style: chr3-129436605-T-C. GRCh37 (hg19) VCF-style: chr3-129155448-T-C.
Other names: c.1039A>G, p.Lys347Glu (NM_001276271.2, NM_001276272.2, NM_003925.3); c.247+1203A>G (NM_001276273.2); short protein forms K347E.
Identifiers: ClinVar variation 4736610 (VCV004736610.1).
Genomic context (GRCh38, chr3:129,436,605, plus strand): 5'-TTTCCACAACTTCTACTTTTGTTCCGATTTCTTCAGATTCTAAAAAGGTATCCTCATACT[T>C]CTCGTTGTGTTCTGAGTCTTTGGCTGAACAAAATTTGTTTATGATGCCAGAAGTTTTTTG-3'
Protein context (NP_001263199.1, residues 337-357): CSAKDSEHNE[Lys347Glu]YEDTFLESEE

ClinVar aggregate classification (germline): Uncertain significance (1 of 4 stars; one submission).

Submission:

Labcorp Genetics (formerly Invitae), Labcorp
Classification: Uncertain significance. Last evaluated: 2026-02-03. Review status: criteria provided, single submitter. Criteria: Invitae Variant Classification Sherloc (09022015). Collection method: clinical testing. Allele origin: germline.
Comment: This sequence change replaces lysine, which is basic and polar, with glutamic acid, which is acidic and polar, at codon 347 of the MBD4 protein (p.Lys347Glu). This variant is not present in population databases (gnomAD no frequency). This variant has not been reported in the literature in individuals affected with MBD4-related conditions. An algorithm developed to predict the effect of missense changes on protein structure and function (PolyPhen-2) suggests that this variant is likely to be tolerated. In summary, the available evidence is currently insufficient to determine the role of this variant in disease. Therefore, it has been classified as a Variant of Uncertain Significance.